The following is an entry in ClinVar:

NM_015662.3(IFT172):c.3250G>T (p.Ala1084Ser)

Gene: IFT172 (intraflagellar transport 172; minus strand). Cytogenetic location: 2p23.3.
Variant type: single nucleotide variant.
Coding change: c.3250G>T on transcript NM_015662.3 (MANE Select); coding-DNA position 3250, G replaced by T.
Protein change: p.Ala1084Ser; replaces alanine 1084 with serine.
Molecular consequence: missense variant.
Genome position (GRCh38, 1-based): chr2:27,456,632, C>A on the plus strand (G>T on the coding strand, the complement: IFT172 is on the minus strand). VCF-style: chr2-27456632-C-A. GRCh37 (hg19) VCF-style: chr2-27679499-C-A.
Other names: c.3184G>T, p.Ala1062Ser (NM_001410739.1); short protein forms A1062S, A1084S.
Identifiers: ClinVar variation 2003304 (VCV002003304.4), dbSNP rs2465849253, ClinGen allele CA346379414.
Genomic context (GRCh38, chr2:27,456,632, plus strand): 5'-CTGCAGCCTCTCCTCCCAGGCTCTTTGCCCACAGATAGGCCACGTGTTTGTGGGCATTAG[C>A]CCCTCCTTGAGTTCTGGCCACCTGTAAAGCAAAGTCACTCAATAATCCTGCAATACAGAG-3'
Protein context (NP_056477.1, residues 1074-1094): AYRVARTQGG[Ala1084Ser]NAHKHVAYLW

ClinVar aggregate classification (germline): Uncertain significance (1 of 4 stars; one submission).

Conditions:
Retinitis pigmentosa 71 (RP71). Identifiers: Orphanet 791, MedGen C4225342, MONDO:0014618, OMIM 616394.
Short-rib thoracic dysplasia 10 with or without polydactyly (SRTD10). Identifiers: Orphanet 474, MedGen C3810175, MONDO:0014284, OMIM 615630.

Submission:

Labcorp Genetics (formerly Invitae), Labcorp
Classification: Uncertain significance for Retinitis pigmentosa 71; Short-rib thoracic dysplasia 10 with or without polydactyly. Last evaluated: 2023-08-17. Review status: criteria provided, single submitter. Criteria: Invitae Variant Classification Sherloc (09022015). Collection method: clinical testing. Allele origin: germline.
Comment: This sequence change replaces alanine, which is neutral and non-polar, with serine, which is neutral and polar, at codon 1084 of the IFT172 protein (p.Ala1084Ser). This variant is not present in population databases (gnomAD no frequency). In summary, the available evidence is currently insufficient to determine the role of this variant in disease. Therefore, it has been classified as a Variant of Uncertain Significance. Advanced modeling of protein sequence and biophysical properties (such as structural, functional, and spatial information, amino acid conservation, physicochemical variation, residue mobility, and thermodynamic stability) performed at Invitae indicates that this missense variant is not expected to disrupt IFT172 protein function. ClinVar contains an entry for this variant (Variation ID: 2003304). This variant has not been reported in the literature in individuals affected with IFT172-related conditions.